The following is an entry in ClinVar:

NM_006440.5(TXNRD2):c.1174T>C (p.Tyr392His)

Gene: TXNRD2 (thioredoxin reductase 2; minus strand). Cytogenetic location: 22q11.21.
Variant type: single nucleotide variant.
Coding change: c.1174T>C on transcript NM_006440.5 (MANE Select); coding-DNA position 1174, T replaced by C.
Protein change: p.Tyr392His; replaces tyrosine 392 with histidine.
Molecular consequence: missense variant. On other transcripts: non-coding transcript variant (1).
Genome position (GRCh38, 1-based): chr22:19,880,630, A>G on the plus strand (T>C on the coding strand, the complement: TXNRD2 is on the minus strand). VCF-style: chr22-19880630-A-G. GRCh37 (hg19) VCF-style: chr22-19868153-A-G.
Other names: c.1171T>C, p.Tyr391His (NM_001352300.2); c.1084T>C, p.Tyr362His (NM_001352301.2); c.886T>C, p.Tyr296His (NM_001352302.2); short protein forms Y392H, Y296H, Y391H, Y362H.
Identifiers: ClinVar variation 263636 (VCV000263636.23), dbSNP rs201971987, ClinGen allele CA10103776.
Genomic context (GRCh38, chr22:19,880,630, plus strand): 5'-CTCGAACTCAGCCTGTCCTAGGCTGCACGTGGCGTCCTGCTAGAGAACTCACATTGTCGT[A>G]GTCCATCAGATCTGAGGACCCGCCGAAGAGCCGCTGCACCAGGAGCCTCCCGGCCATGAT-3'
Protein context (NP_006431.2, residues 382-402): LFGGSSDLMD[Tyr392His]DNVPTTVFTP

ClinVar aggregate classification (germline): Conflicting classifications of pathogenicity. Review status: criteria provided, conflicting classifications (1 of 4 stars). 5 submissions from 5 submitters: Uncertain significance (2); Likely benign (1). 2 of the submissions do not count toward it. Last evaluated 2026-01-11.

Conditions:
Cardiovascular phenotype. Identifiers: MedGen CN230736.
Primary dilated cardiomyopathy (DCM). Also called: Dilated Cardiomyopathy. Identifiers: Orphanet 217604, MedGen C0007193, MeSH D002311, MONDO:0005021, HP:0001644. Inheritance: Various modes of inheritance.

Allele frequency attached by ClinVar (database versions not stated): ExAC 0.00037; TOPMed 0.00046; gnomAD exomes 0.00047; gnomAD 0.00051 and 0.00052; ESP Exome Variant Server 0.00055.
gnomAD v4.1: 1,270 of 1,613,216 alleles (0.079%); highest among the groups gnomAD compares: Non-Finnish European, 0.1%; no homozygotes.

Submissions (5):

Labcorp Genetics (formerly Invitae), Labcorp
Classification: Uncertain significance for Primary dilated cardiomyopathy. Last evaluated: 2026-01-11. Review status: criteria provided, single submitter. Criteria: Invitae Variant Classification Sherloc (09022015). Collection method: clinical testing. Allele origin: germline.
Comment: This sequence change replaces tyrosine, which is neutral and polar, with histidine, which is basic and polar, at codon 392 of the TXNRD2 protein (p.Tyr392His). This variant is present in population databases (rs201971987, gnomAD 0.08%), and has an allele count higher than expected for a pathogenic variant. This missense change has been observed in individual(s) with clinical features of TXNRD2-related conditions (PMID: 28074886). ClinVar contains an entry for this variant (Variation ID: 263636). Invitae Evidence Modeling of protein sequence and biophysical properties (such as structural, functional, and spatial information, amino acid conservation, physicochemical variation, residue mobility, and thermodynamic stability) indicates that this missense variant is not expected to disrupt TXNRD2 protein function with a negative predictive value of 80%. In summary, the available evidence is currently insufficient to determine the role of this variant in disease. Therefore, it has been classified as a Variant of Uncertain Significance.

GeneDx
Classification: Uncertain significance. Last evaluated: 2025-12-30. Review status: criteria provided, single submitter. Criteria: GeneDx Variant Classification Process June 2021. Collection method: clinical testing. Allele origin: germline. Affected: yes.
Comment: In silico analysis supports that this missense variant has a deleterious effect on protein structure/function; Variants in candidate genes are classified as variants of uncertain significance in accordance with ACMG guidelines (PMID: 25741868); This variant is associated with the following publications: (PMID: 28074886, 34389451)

Ambry Genetics
Classification: Likely benign for Cardiovascular phenotype. Last evaluated: 2020-02-26. Review status: criteria provided, single submitter. Criteria: Ambry Variant Classification Scheme 2023. Collection method: clinical testing. Allele origin: germline.

Clinical Genetics DNA and cytogenetics Diagnostics Lab, Erasmus MC, Erasmus Medical Center
Classification: Likely benign. Review status: no assertion criteria provided. Collection method: clinical testing. Allele origin: germline. Affected: yes. Study: VKGL Data-share Consensus. Not counted in ClinVar's aggregate classification.

Diagnostic Laboratory, Department of Genetics, University Medical Center Groningen
Classification: Likely benign. Review status: no assertion criteria provided. Collection method: clinical testing. Allele origin: germline. Affected: yes. Study: VKGL Data-share Consensus. Not counted in ClinVar's aggregate classification.

Literature cited by the submitters: PubMed 28074886 (cited by Labcorp Genetics (formerly Invitae), Labcorp and Ambry Genetics).